The following is an entry in ClinVar:

ClinVar aggregate classification (germline): Uncertain significance. Review status: criteria provided, multiple submitters, no conflicts (2 of 4 stars). 3 submissions from 3 submitters: Uncertain significance (3). Last evaluated 2025-07-28.

Conditions:
Inborn genetic diseases. Identifiers: MedGen C0950123, MeSH D030342.
Combined immunodeficiency due to DOCK8 deficiency (HIES2). Also called: DOCK8 Deficiency; HYPER-IgE RECURRENT INFECTION SYNDROME 2, AUTOSOMAL RECESSIVE; HIES autosomal recessive; HYPER-IgE SYNDROME 2, AUTOSOMAL RECESSIVE, WITH RECURRENT INFECTIONS; Hyper-IgE recurrent infection syndrome, autosomal recessive. Identifiers: Orphanet 217390, MedGen C4722305, MONDO:0009478, OMIM 243700.

Allele frequency attached by ClinVar (database versions not stated): gnomAD 0.00001; gnomAD exomes 0.00002 and 0.00003; ExAC 0.00003; 1000 Genomes Project 30x 0.00016; 1000 Genomes Project 0.00020.
gnomAD v4.1: 34 of 1,613,774 alleles (0.0021%); highest among the groups gnomAD compares: South Asian, 0.036%; no homozygotes.

Submissions (3):

Labcorp Genetics (formerly Invitae), Labcorp
Classification: Uncertain significance for Combined immunodeficiency due to DOCK8 deficiency. Last evaluated: 2025-07-28. Review status: criteria provided, single submitter. Criteria: Invitae Variant Classification Sherloc (09022015). Collection method: clinical testing. Allele origin: germline.
Comment: This sequence change replaces arginine, which is basic and polar, with glycine, which is neutral and non-polar, at codon 2080 of the DOCK8 protein (p.Arg2080Gly). This variant is present in population databases (rs545187374, gnomAD 0.02%). This variant has not been reported in the literature in individuals affected with DOCK8-related conditions. ClinVar contains an entry for this variant (Variation ID: 576090). An algorithm developed to predict the effect of missense changes on protein structure and function (PolyPhen-2) suggests that this variant is likely to be disruptive. In summary, the available evidence is currently insufficient to determine the role of this variant in disease. Therefore, it has been classified as a Variant of Uncertain Significance.

Ambry Genetics
Classification: Uncertain significance for Inborn genetic diseases. Last evaluated: 2024-07-02. Review status: criteria provided, single submitter. Criteria: Ambry Variant Classification Scheme 2023. Collection method: clinical testing. Allele origin: germline.

Blueprint Genetics
Classification: Uncertain significance. Last evaluated: 2022-01-12. Review status: criteria provided, single submitter. Criteria: ACMG Guidelines, 2015. Collection method: clinical testing. Allele origin: germline.

NM_203447.4(DOCK8):c.6238A>G (p.Arg2080Gly)

Gene: DOCK8 (dedicator of cytokinesis 8; plus strand). Cytogenetic location: 9p24.3.
Variant type: single nucleotide variant.
Coding change: c.6238A>G on transcript NM_203447.4 (MANE Select); coding-DNA position 6238, A replaced by G.
Protein change: p.Arg2080Gly; replaces arginine 2080 with glycine.
Molecular consequence: missense variant.
Genome position (GRCh38, 1-based): chr9:463,686, A>G. VCF-style: chr9-463686-A-G. GRCh37 (hg19) VCF-style: chr9-463686-A-G.
Other names: c.5938A>G, p.Arg1980Gly (NM_001190458.2); c.6034A>G, p.Arg2012Gly (NM_001193536.2); short protein forms R2080G, R2012G, R1980G.
Identifiers: ClinVar variation 576090 (VCV000576090.9), dbSNP rs545187374, ClinGen allele CA4959744.